The following is an entry in ClinVar:

ClinVar aggregate classification (germline): Uncertain significance. Review status: criteria provided, multiple submitters, no conflicts (2 of 4 stars). 7 submissions from 7 submitters: Uncertain significance (6). 1 of the submissions does not count toward it. Last evaluated 2025-12-29.

Conditions:
Familial thoracic aortic aneurysm and aortic dissection (TAAD). Also called: Thoracic aortic aneurysms and dissections. Identifiers: Orphanet 91387, MedGen C4707243, MONDO:0019625.
Aortic aneurysm, familial thoracic 4 (AAT4). Also called: AORTIC ANEURYSM/AORTIC DISSECTION AND PATENT DUCTUS ARTERIOSUS. Identifiers: MedGen C1851504, MONDO:0007568, OMIM 132900.
Visceral myopathy 2. Identifiers: MedGen C5543466, MONDO:0859157, OMIM 619350.
Megacystis-microcolon-intestinal hypoperistalsis syndrome 2. Identifiers: MedGen C5543476, MONDO:0025708, OMIM 619351.
Ehlers-Danlos syndrome, classic type (cEDS). Identifiers: Orphanet 287, MedGen C4225429, MONDO:0007522.

Allele frequency attached by ClinVar (database versions not stated): ExAC 0.00001; gnomAD exomes 0.00001 and 0.00002; gnomAD 0.00002 and 0.00003; TOPMed 0.00002.
gnomAD v4.1: 38 of 1,614,076 alleles (0.0024%); highest among the groups gnomAD compares: Non-Finnish European, 0.003%; no homozygotes.

Submissions (7):

Labcorp Genetics (formerly Invitae), Labcorp
Classification: Uncertain significance for Aortic aneurysm, familial thoracic 4. Last evaluated: 2025-12-29. Review status: criteria provided, single submitter. Criteria: Invitae Variant Classification Sherloc (09022015). Collection method: clinical testing. Allele origin: germline.
Comment: This sequence change replaces glutamine, which is neutral and polar, with histidine, which is basic and polar, at codon 720 of the MYH11 protein (p.Gln720His). This variant is present in population databases (rs779897931, gnomAD 0.007%). This variant has not been reported in the literature in individuals affected with MYH11-related conditions. ClinVar contains an entry for this variant (Variation ID: 492838). Invitae Evidence Modeling of protein sequence and biophysical properties (such as structural, functional, and spatial information, amino acid conservation, physicochemical variation, residue mobility, and thermodynamic stability) has been performed for this missense variant. However, the output from this modeling did not meet the statistical confidence thresholds required to predict the impact of this variant on MYH11 protein function. In summary, the available evidence is currently insufficient to determine the role of this variant in disease. Therefore, it has been classified as a Variant of Uncertain Significance.

All of Us Research Program, National Institutes of Health
Classification: Uncertain significance for Familial thoracic aortic aneurysm and aortic dissection. Last evaluated: 2024-08-06. Review status: criteria provided, single submitter. Criteria: ACMG Guidelines, 2015. Collection method: clinical testing. Allele origin: germline. Inheritance: Autosomal dominant inheritance. Observed: 3 variant alleles, 3 heterozygotes.
Comment: This missense variant replaces glutamine with histidine at codon 720 of the MYH11 protein. Computational prediction suggests that this variant may have deleterious impact on protein structure and function (internally defined REVEL score threshold >= 0.7, PMID: 27666373). To our knowledge, functional studies have not been reported for this variant. This variant has not been reported in individuals affected with cardiovascular disorders in the literature. This variant has been identified in 2/251366 chromosomes in the general population by the Genome Aggregation Database (gnomAD). The available evidence is insufficient to determine the role of this variant in disease conclusively. Therefore, this variant is classified as a Variant of Uncertain Significance.

This study involves interpretation of variants in research participants for the purpose of population health screening. Participant phenotype was not available at the time of variant classification. Additional details can be found in publication PMID: 35346344, PMCID: PMC8962531

Color Diagnostics, LLC DBA Color Health
Classification: Uncertain significance for Familial thoracic aortic aneurysm and aortic dissection. Last evaluated: 2024-03-06. Review status: criteria provided, single submitter. Criteria: ACMG Guidelines, 2015. Collection method: clinical testing. Allele origin: germline.
Comment: This missense variant replaces glutamine with histidine at codon 720 of the MYH11 protein. Computational prediction suggests that this variant may have deleterious impact on protein structure and function (internally defined REVEL score threshold >= 0.7, PMID: 27666373). To our knowledge, functional studies have not been reported for this variant. This variant has not been reported in individuals affected with cardiovascular disorders in the literature. This variant has been identified in 2/251366 chromosomes in the general population by the Genome Aggregation Database (gnomAD). The available evidence is insufficient to determine the role of this variant in disease conclusively. Therefore, this variant is classified as a Variant of Uncertain Significance.

Fulgent Genetics
Classification: Uncertain significance for Aortic aneurysm, familial thoracic 4; Visceral myopathy 2; Megacystis-microcolon-intestinal hypoperistalsis syndrome 2. Last evaluated: 2022-03-18. Review status: criteria provided, single submitter. Criteria: ACMG Guidelines, 2015. Collection method: clinical testing. Allele origin: unknown.

Ambry Genetics
Classification: Uncertain significance for Familial thoracic aortic aneurysm and aortic dissection. Last evaluated: 2019-06-27. Review status: criteria provided, single submitter. Criteria: Ambry Variant Classification Scheme 2023. Collection method: clinical testing. Allele origin: germline.
Comment: The p.Q713H variant (also known as c.2139G>C), located in coding exon 16 of the MYH11 gene, results from a G to C substitution at nucleotide position 2139. The glutamine at codon 713 is replaced by histidine, an amino acid with highly similar properties. This amino acid position is highly conserved in available vertebrate species. In addition, the in silico prediction for this alteration is inconclusive. Since supporting evidence is limited at this time, the clinical significance of this alteration remains unclear.

CHEO Genetics Diagnostic Laboratory, Children's Hospital of Eastern Ontario
Classification: Uncertain significance for Familial thoracic aortic aneurysm and aortic dissection. Last evaluated: 2019-03-13. Review status: criteria provided, single submitter. Criteria: ACMG Guidelines, 2015. Collection method: clinical testing. Allele origin: germline.

Clinical Molecular Genetics Laboratory, Johns Hopkins All Children's Hospital
Classification: Uncertain significance for Ehlers-Danlos syndrome, classic type, 1. Last evaluated: 2015-06-30. Review status: no assertion criteria provided. Collection method: clinical testing. Allele origin: germline. Affected: yes. Not counted in ClinVar's aggregate classification.

NM_002474.3(MYH11):c.2139G>C (p.Gln713His)

Gene: MYH11 (myosin heavy chain 11; minus strand). Cytogenetic location: 16p13.11.
Variant type: single nucleotide variant.
Coding change: c.2139G>C on transcript NM_002474.3 (MANE Select); coding-DNA position 2139, G replaced by C.
Protein change: p.Gln713His; replaces glutamine 713 with histidine.
Molecular consequence: missense variant.
Genome position (GRCh38, 1-based): chr16:15,748,088, C>G on the plus strand (G>C on the coding strand, the complement: MYH11 is on the minus strand). VCF-style: chr16-15748088-C-G. GRCh37 (hg19) VCF-style: chr16-15841945-C-G.
Other names: c.2160G>C, p.Gln720His (NM_001040113.2, NM_001040114.2); c.2139G>C, p.Gln713His (NM_022844.3); short protein forms Q720H, Q713H.
Identifiers: ClinVar variation 492838 (VCV000492838.19), dbSNP rs779897931, ClinGen allele CA7922383.